The following is an entry in ClinVar:

NM_000321.3(RB1):c.-125A>C

Gene: RB1 (RB transcriptional corepressor 1; plus strand). Cytogenetic location: 13q14.2.
Variant type: single nucleotide variant.
Coding change: c.-125A>C on transcript NM_000321.3 (MANE Select); 125 bases upstream of the start codon, A replaced by C.
Molecular consequence: 5 prime UTR variant.
Genome position (GRCh38, 1-based): chr13:48,303,788, A>C. VCF-style: chr13-48303788-A-C. GRCh37 (hg19) VCF-style: chr13-48877924-A-C.
Other names: c.-125A>C (NM_001407165.1, NM_001407166.1, NM_001407167.1).
Identifiers: ClinVar variation 4741911 (VCV004741911.1).
Genomic context (GRCh38, chr13:48,303,788, plus strand): 5'-TCCCGCGGTTGGACGCGGCGCTCAGTTGCCGGGCGGGGGAGGGCGCGTCCGGTTTTTCTC[A>C]GGGGACGTTGAAATTATTTTTGTAACGGGAGTCGGGAGAGGACGGGGCGTGCCCCGACGT-3'

ClinVar aggregate classification (germline): Uncertain significance (1 of 4 stars; one submission).

Conditions:
Retinoblastoma (RB1). Also called: RETINOBLASTOMA, SOMATIC. Identifiers: Orphanet 790, MedGen C0035335, MeSH D012175, MONDO:0008380, OMIM 180200, HP:0009919. Disease mechanism: loss of function. Inheritance: Both sporadic and heritable forms are tested..

Submission:

Labcorp Genetics (formerly Invitae), Labcorp
Classification: Uncertain significance for Retinoblastoma. Last evaluated: 2025-10-01. Review status: criteria provided, single submitter. Criteria: Invitae Variant Classification Sherloc (09022015). Collection method: clinical testing. Allele origin: germline.
Comment: This variant occurs in a non-coding region of the RB1 gene. It does not change the encoded amino acid sequence of the RB1 protein. This variant is not present in population databases (gnomAD no frequency). This variant has not been reported in the literature in individuals affected with RB1-related conditions. In summary, the available evidence is currently insufficient to determine the role of this variant in disease. Therefore, it has been classified as a Variant of Uncertain Significance.